The following is an entry in ClinVar:

ClinVar aggregate classification (germline): Uncertain significance (1 of 4 stars; one submission).

Submission:

CeGaT Center for Human Genetics Tuebingen
Classification: Uncertain significance. Last evaluated: 2025-01-01. Review status: criteria provided, single submitter. Criteria: CeGaT Center For Human Genetics Tuebingen Variant Classification Criteria Version 2. Collection method: clinical testing. Allele origin: germline. Affected: yes. Observed: 1 variant allele.
Comment: KCNA2: PM2, PM1:Supporting, PM6:Supporting, PP2

NM_004974.4(KCNA2):c.1105G>T (p.Val369Phe)

Gene: KCNA2 (potassium voltage-gated channel subfamily A member 2; minus strand). Cytogenetic location: 1p13.3.
Variant type: single nucleotide variant.
Coding change: c.1105G>T on transcript NM_004974.4 (MANE Select); coding-DNA position 1105, G replaced by T.
Protein change: p.Val369Phe; replaces valine 369 with phenylalanine.
Molecular consequence: missense variant. On other transcripts: intron variant (1).
Genome position (GRCh38, 1-based): chr1:110,603,678, C>A on the plus strand (G>T on the coding strand, the complement: KCNA2 is on the minus strand). VCF-style: chr1-110603678-C-A. GRCh37 (hg19) VCF-style: chr1-111146300-C-A.
Other names: c.894+211G>T (NM_001204269.2); short protein forms V369F.
Identifiers: ClinVar variation 3772260 (VCV003772260.13).